The following is an entry in ClinVar:

ClinVar aggregate classification (germline): Uncertain significance (1 of 4 stars; one submission).

Conditions:
Proline dehydrogenase deficiency (HYRPRO1). Also called: PROLINE OXIDASE DEFICIENCY; Hyperprolinemia type 1. Identifiers: Orphanet 419, MedGen C0268529, MONDO:0009400, OMIM 239500.

Submission:

Labcorp Genetics (formerly Invitae), Labcorp
Classification: Uncertain significance for Proline dehydrogenase deficiency. Last evaluated: 2024-01-12. Review status: criteria provided, single submitter. Criteria: Invitae Variant Classification Sherloc (09022015). Collection method: clinical testing. Allele origin: germline.
Comment: This sequence change replaces aspartic acid, which is acidic and polar, with glutamic acid, which is acidic and polar, at codon 426 of the PRODH protein (p.Asp426Glu). This variant is not present in population databases (gnomAD no frequency). This variant has not been reported in the literature in individuals affected with PRODH-related conditions. ClinVar contains an entry for this variant (Variation ID: 1903601). Advanced modeling of protein sequence and biophysical properties (such as structural, functional, and spatial information, amino acid conservation, physicochemical variation, residue mobility, and thermodynamic stability) performed at Invitae indicates that this missense variant is not expected to disrupt PRODH protein function with a negative predictive value of 80%. In summary, the available evidence is currently insufficient to determine the role of this variant in disease. Therefore, it has been classified as a Variant of Uncertain Significance.

NM_016335.6(PRODH):c.1278C>A (p.Asp426Glu)

Gene: PRODH (proline dehydrogenase 1; minus strand). Cytogenetic location: 22q11.21.
Variant type: single nucleotide variant.
Coding change: c.1278C>A on transcript NM_016335.6 (MANE Select); coding-DNA position 1278, C replaced by A.
Protein change: p.Asp426Glu; replaces aspartic acid 426 with glutamic acid.
Molecular consequence: missense variant.
Genome position (GRCh38, 1-based): chr22:18,918,465, G>T on the plus strand (C>A on the coding strand, the complement: PRODH is on the minus strand). VCF-style: chr22-18918465-G-T. GRCh37 (hg19) VCF-style: chr22-18905978-G-T.
Other names: c.954C>A, p.Asp318Glu (NM_001195226.2, NM_001368250.2); short protein forms D426E, D318E.
Identifiers: ClinVar variation 1903601 (VCV001903601.3), dbSNP rs16983466, ClinGen allele CA410642656.